The following is an entry in ClinVar:

ClinVar aggregate classification (germline): not provided (0 of 4 stars; one submission).

Allele frequency attached by ClinVar (database versions not stated): gnomAD exomes below 0.00001.
gnomAD v4.1: 1 of 1,536,544 alleles (0.000065%); highest among the groups gnomAD compares: South Asian, 0.0013%; no homozygotes.

Submission:

ITMI
No classification provided. Condition: AllHighlyPenetrant. Last evaluated: 2013-09-19. Review status: no classification provided. Collection method: reference population. Allele origin: germline.
Comment: Please see associated publication for description of ethnicities

Literature cited by the submitters: PubMed 24728327.

NM_003482.4(KMT2D):c.12800C>T (p.Pro4267Leu)

Gene: KMT2D (lysine methyltransferase 2D; minus strand). Cytogenetic location: 12q13.12.
Variant type: single nucleotide variant.
Coding change: c.12800C>T on transcript NM_003482.4 (MANE Select); coding-DNA position 12800, C replaced by T.
Protein change: p.Pro4267Leu; replaces proline 4267 with leucine.
Molecular consequence: missense variant.
Genome position (GRCh38, 1-based): chr12:49,031,905, G>A on the plus strand (C>T on the coding strand, the complement: KMT2D is on the minus strand). VCF-style: chr12-49031905-G-A. GRCh37 (hg19) VCF-style: chr12-49425688-G-A.
Other names: short protein forms P4267L.
Identifiers: ClinVar variation 134713 (VCV000134713.1), dbSNP rs587778474, ClinGen allele CA160595.